The following is an entry in ClinVar:

ClinVar aggregate classification (germline): Pathogenic (1 of 4 stars; one submission).

Conditions:
Distal myopathy with posterior leg and anterior hand involvement. Also called: WILLIAMS DISTAL MYOPATHY. Identifiers: Orphanet 63273, MedGen C3279722, MONDO:0013550, OMIM 614065.
Hypertrophic cardiomyopathy 26. Also called: Cardiomyopathy, familial hypertrophic, 26. Identifiers: Orphanet 75249, MedGen C4310749, MONDO:0014883, OMIM 617047.
Myofibrillar myopathy 5. Also called: Filaminopathy (type); FILAMINOPATHY, AUTOSOMAL DOMINANT. Identifiers: Orphanet 171445, MedGen C1836050, MONDO:0012289, OMIM 609524.

Submission:

Labcorp Genetics (formerly Invitae), Labcorp
Classification: Pathogenic for Distal myopathy with posterior leg and anterior hand involvement; Myofibrillar myopathy 5; Hypertrophic cardiomyopathy 26. Last evaluated: 2025-08-08. Review status: criteria provided, single submitter. Criteria: Invitae Variant Classification Sherloc (09022015). Collection method: clinical testing. Allele origin: germline.
Comment: This sequence change creates a premature translational stop signal (p.Arg381Hisfs*20) in the FLNC gene. It is expected to result in an absent or disrupted protein product. Loss-of-function variants in FLNC are known to be pathogenic (PMID: 27908349). This variant is not present in population databases (gnomAD no frequency). This variant has not been reported in the literature in individuals affected with FLNC-related conditions. ClinVar contains an entry for this variant (Variation ID: 3759997). For these reasons, this variant has been classified as Pathogenic.

Literature cited by the submitters: PubMed 27908349.

NM_001458.5(FLNC):c.1141_1142insACGC (p.Arg381fs)

Gene: FLNC (filamin C; plus strand). Cytogenetic location: 7q32.1.
Variant type: Insertion.
Coding change: c.1141_1142insACGC on transcript NM_001458.5 (MANE Select); coding-DNA positions 1141 to 1142, ACGC inserted.
Protein change: p.Arg381fs; shifts the reading frame from arginine 381.
Molecular consequence: frameshift variant.
Genome position: GRCh38 VCF-style: chr7-128838359-C-CCACG. GRCh37 (hg19) VCF-style: chr7-128478413-C-CCACG.
Other names: c.1141_1142insACGC, p.Arg381fs (NM_001127487.2); short protein forms R381fs.
Identifiers: ClinVar variation 3759997 (VCV003759997.2).